The following is an entry in ClinVar:

NM_024301.5(FKRP):c.740C>A (p.Pro247Gln)

Gene: FKRP (fukutin related protein; plus strand). Cytogenetic location: 19q13.32.
Variant type: single nucleotide variant.
Coding change: c.740C>A on transcript NM_024301.5 (MANE Select); coding-DNA position 740, C replaced by A.
Protein change: p.Pro247Gln; replaces proline 247 with glutamine.
Molecular consequence: missense variant.
Genome position (GRCh38, 1-based): chr19:46,756,190, C>A. VCF-style: chr19-46756190-C-A. GRCh37 (hg19) VCF-style: chr19-47259447-C-A.
Other names: c.740C>A, p.Pro247Gln (NM_001039885.3); short protein forms P247Q.
Identifiers: ClinVar variation 167071 (VCV000167071.40), dbSNP rs528000488, ClinGen allele CA234005.

ClinVar aggregate classification (germline): Conflicting classifications of pathogenicity. Review status: criteria provided, conflicting classifications (1 of 4 stars). 13 submissions from 13 submitters: Uncertain significance (6); Likely benign (5). 2 of the submissions do not count toward it. Last evaluated 2026-02-03.

Conditions:
Walker-Warburg congenital muscular dystrophy. Also called: Muscular dystrophy-dystroglycanopathy, type A; Walker-Warburg syndrome. Identifiers: Orphanet 899, MedGen C0265221, MONDO:0000171.
FKRP-related disorder. Also called: FKRP-related condition.
Cardiovascular phenotype. Identifiers: MedGen CN230736.
Autosomal recessive limb-girdle muscular dystrophy type 2I. Also called: MUSCULAR DYSTROPHY-DYSTROGLYCANOPATHY (LIMB-GIRDLE), TYPE C, 5; MUSCULAR DYSTROPHY-DYSTROGLYCANOPATHY, LIMB-GIRDLE, FRKP-RELATED; MUSCULAR DYSTROPHY, LIMB-GIRDLE, TYPE 2I. Identifiers: Orphanet 34515, MedGen C1846672, MONDO:0011787, OMIM 607155.
Muscular dystrophy-dystroglycanopathy (congenital with brain and eye anomalies), type A5. Also called: MUSCULAR DYSTROPHY-DYSTROGLYCANOPATHY (CONGENITAL WITH BRAIN AND EYE ANOMALIES), TYPE A, 5; WALKER-WARBURG SYNDROME OR MUSCLE-EYE-BRAIN DISEASE, FKRP-RELATED. Identifiers: Orphanet 588, Orphanet 899, MedGen C3150413, MONDO:0013157, OMIM 613153.

Allele frequency attached by ClinVar (database versions not stated): gnomAD exomes 0.00009 and 0.00016; TOPMed 0.00126; ExAC below 0.00001; 1000 Genomes Project 30x 0.00078; 1000 Genomes Project 0.00060; gnomAD 0.00124.

Submissions (13):

Labcorp Genetics (formerly Invitae), Labcorp
Classification: Likely benign for Walker-Warburg congenital muscular dystrophy. Last evaluated: 2026-02-03. Review status: criteria provided, single submitter. Criteria: Invitae Variant Classification Sherloc (09022015). Collection method: clinical testing. Allele origin: germline.

Women's Health and Genetics/Laboratory Corporation of America, LabCorp
Classification: Likely benign. Last evaluated: 2025-11-24. Review status: criteria provided, single submitter. Criteria: LabCorp Variant Classification Summary - May 2015. Collection method: clinical testing. Allele origin: germline.
Comment: Variant summary: FKRP c.740C>A (p.Pro247Gln) results in a non-conservative amino acid change in the encoded protein sequence. Algorithms developed to predict the effect of missense changes on protein structure and function all suggest that this variant is likely to be disruptive. The variant allele was found at a frequency of 0.00026 in 1436666 control chromosomes, predominantly at a frequency of 0.0045 within the African or African-American subpopulation in the gnomAD database, including 1 homozygotes. The observed variant frequency within African or African-American control individuals in the gnomAD database exceeds the estimated maximal expected allele frequency for disease-causing variants in FKRP. c.740C>A has been observed in the heterozygous state in an individual with limb-girdle muscular weakness and in an individual with intellectual disability and spastic diplegia, without strong evidence for causality (Calame_2023, Bevilacqua_2024). These reports do not provide unequivocal conclusions about association of the variant with Autosomal Recessive Limb-Girdle Muscular Dystrophy or other FKRP-related conditions. To our knowledge, no experimental evidence demonstrating an impact on protein function has been reported. The following publications have been ascertained in the context of this evaluation (PMID: 39678382, 37043503). ClinVar contains an entry for this variant (Variation ID: 167071). Based on the evidence outlined above, the variant was classified as likely benign.

Mayo Clinic Laboratories, Mayo Clinic
Classification: Uncertain significance. Last evaluated: 2025-05-13. Review status: criteria provided, single submitter. Criteria: ACMG Guidelines, 2015. Collection method: clinical testing. Allele origin: germline. Observed: 4 variant alleles.
Comment: BS1

Athena Diagnostics
Classification: Uncertain significance. Last evaluated: 2025-01-30. Review status: criteria provided, single submitter. Criteria: Athena Diagnostics Criteria. Collection method: clinical testing. Allele origin: unknown.
Comment: Available data are insufficient to determine the clinical significance of the variant at this time. The frequency of this variant in the general population is higher than would generally be expected for pathogenic variants in this gene. Polyphen and MutationTaster predict this amino acid change may be benign.

Blueprint Genetics
Classification: Uncertain significance. Last evaluated: 2024-07-05. Review status: criteria provided, single submitter. Criteria: ACMG Guidelines, 2015. Collection method: clinical testing. Allele origin: germline.

ARUP Laboratories, Molecular Genetics and Genomics, ARUP Laboratories
Classification: Uncertain significance. Last evaluated: 2023-09-22. Review status: criteria provided, single submitter. Criteria: ARUP Molecular Germline Variant Investigation Process 2024. Collection method: clinical testing. Allele origin: germline.
Comment: The FKRP c.740C>A; p.Pro247Gln variant (rs528000488), to our knowledge, is not reported in the medical literature but is reported in ClinVar (Variation ID: 167071). This variant is found in the African population with an allele frequency of 0.42% (38/9132 alleles) in the Genome Aggregation Database. The proline at codon 247 is moderately conserved, and computational analyses (SIFT: damaging, PolyPhen-2: benign) predict conflicting effects of this variant on protein structure/function. Due to limited information, the clinical significance of the p.Pro247Gln variant is uncertain at this time.

Revvity Omics, Revvity
Classification: Likely benign. Last evaluated: 2023-09-07. Review status: criteria provided, single submitter. Criteria: ACMG Guidelines, 2015. Collection method: clinical testing. Allele origin: germline.

Ambry Genetics
Classification: Likely benign for Cardiovascular phenotype. Last evaluated: 2022-05-04. Review status: criteria provided, single submitter. Criteria: Ambry Variant Classification Scheme 2023. Collection method: clinical testing. Allele origin: germline.

GeneDx
Classification: Likely benign. Last evaluated: 2021-04-24. Review status: criteria provided, single submitter. Criteria: GeneDx Variant Classification Process June 2021. Collection method: clinical testing. Allele origin: germline. Affected: yes.

Victorian Clinical Genetics Services, Murdoch Childrens Research Institute
Classification: Uncertain significance for Muscular dystrophy-dystroglycanopathy (congenital with brain and eye anomalies), type A5. Last evaluated: 2020-07-02. Review status: criteria provided, single submitter. Criteria: ACMG Guidelines, 2015. Collection method: clinical testing. Allele origin: germline. Inheritance: Autosomal recessive inheritance. Affected: yes.
Comment: Based on the classification scheme VCGS_Germline_v1.3.3, this variant is classified as 3C-VUS. Following criteria are met: 0102 - Loss of function is a known mechanism of disease in this gene and is associated with muscular dystrophy-dystroglycanopathy (congenital with brain and eye anomalies), type A, 5. (I) 0106 - This gene is associated with autosomal recessive disease. (I) 0200 - Variant is predicted to result in a missense amino acid change from proline to glutamine (exon 4). (I) 0251 - This variant is heterozygous. (I) 0304 - Variant is present in gnomAD <0.01 for a recessive condition (v3: 172 heterozygotes, 0 homozygotes. (SP) 0309 - An alternative amino acid change at the same position has been observed in gnomAD (v3: 1 heterozygote, 0 homozygotes). (I) 0502 - Missense variant with conflicting in silico predictions and uninformative conservation. (I) 0604 - Variant is not located in an established domain, motif, hotspot or informative constraint region. (I) 0705 - No comparable missense variants have previous evidence for pathogenicity. A different variant in the same codon resulting in a change to arginine has been reported as a variant of uncertain significance in ClinVar. (I) 0808 - Previous reports of pathogenicity for this variant are conflicting. This variant has been classified as a variant of uncertain significance and likely benign in ClinVar. (I) 0905 - No published segregation evidence has been identified for this variant. (I) 1007 - No published functional evidence has been identified for this variant. (I) Legend: (SP) - Supporting pathogenic, (I) - Information, (SB) - Supporting benign

Eurofins Ntd Llc (ga)
Classification: Uncertain significance. Last evaluated: 2018-02-09. Review status: criteria provided, single submitter. Criteria: EGL ClinVar v180209 classification definitions. Collection method: clinical testing. Allele origin: germline. Observed: 11 variant alleles, 11 heterozygotes.

PreventionGenetics, part of Exact Sciences
Classification: Likely benign for FKRP-related condition. Last evaluated: 2022-02-27. Review status: no assertion criteria provided. Collection method: clinical testing. Allele origin: germline. Not counted in ClinVar's aggregate classification.
Comment: This variant is classified as likely benign based on ACMG/AMP sequence variant interpretation guidelines (Richards et al. 2015 PMID: 25741868, with internal and published modifications).

Natera, Inc.
Classification: Likely benign for Limb-girdle muscular dystrophy type 2I. Last evaluated: 2019-12-29. Review status: no assertion criteria provided. Collection method: clinical testing. Allele origin: germline. Not counted in ClinVar's aggregate classification.

Literature cited by the submitters: PubMed 39678382 (cited by Women's Health and Genetics/Laboratory Corporation of America, LabCorp); PubMed 37043503 (cited by Women's Health and Genetics/Laboratory Corporation of America, LabCorp).